The following is an entry in ClinVar:

NM_020632.3(ATP6V0A4):c.5T>A (p.Val2Glu)

Gene: ATP6V0A4 (ATPase H+ transporting V0 subunit a4; minus strand). Cytogenetic location: 7q34.
Variant type: single nucleotide variant.
Coding change: c.5T>A on transcript NM_020632.3 (MANE Select); coding-DNA position 5, T replaced by A.
Protein change: p.Val2Glu; replaces valine 2 with glutamic acid.
Molecular consequence: missense variant.
Genome position (GRCh38, 1-based): chr7:138,771,243, A>T on the plus strand (T>A on the coding strand, the complement: ATP6V0A4 is on the minus strand). VCF-style: chr7-138771243-A-T. GRCh37 (hg19) VCF-style: chr7-138455988-A-T.
Other names: c.5T>A, p.Val2Glu (NM_130840.3, NM_130841.3); short protein forms V2E.
Identifiers: ClinVar variation 1023476 (VCV001023476.7), dbSNP rs10258719, ClinGen allele CA369380207.
Genomic context (GRCh38, chr7:138,771,243, plus strand): 5'-GCAGCTTCCACCTGGAGAAACAGTTGTGACAAACACATCTCCTCGCTTCGAAACACAGAC[A>T]CCATCTTGGCCCAGCCTCGGTCTACAGGAGAAAAAGAAAAAGATATTAATATTTAAGGTA-3'
Protein context (NP_065683.2, residues 1-12): M[Val2Glu]SVFRSEEMCL

ClinVar aggregate classification (germline): Uncertain significance. Review status: criteria provided, multiple submitters, no conflicts (2 of 4 stars). 2 submissions from 2 submitters: Uncertain significance (2). Last evaluated 2024-04-10.

Conditions:
Renal tubular acidosis, distal, 3, with or without sensorineural hearing loss (DRTA3). Identifiers: MedGen C5399980, MONDO:0011268, OMIM 602722.

gnomAD v4.1: 9 of 1,612,778 alleles (0.00056%); highest among the groups gnomAD compares: Non-Finnish European, 0.00076%; no homozygotes.

Submissions (2):

Fulgent Genetics
Classification: Uncertain significance for Renal tubular acidosis, distal, 3, with or without sensorineural hearing loss. Last evaluated: 2024-04-10. Review status: criteria provided, single submitter. Criteria: ACMG Guidelines, 2015. Collection method: clinical testing. Allele origin: germline.

Labcorp Genetics (formerly Invitae), Labcorp
Classification: Uncertain significance. Last evaluated: 2021-08-30. Review status: criteria provided, single submitter. Criteria: Invitae Variant Classification Sherloc (09022015). Collection method: clinical testing. Allele origin: germline.
Comment: This sequence change replaces valine with glutamic acid at codon 2 of the ATP6V0A4 protein (p.Val2Glu). The valine residue is weakly conserved and there is a moderate physicochemical difference between valine and glutamic acid. This variant is not present in population databases (ExAC no frequency). This variant has not been reported in the literature in individuals affected with ATP6V0A4-related conditions. Algorithms developed to predict the effect of missense changes on protein structure and function (SIFT, PolyPhen-2, Align-GVGD) all suggest that this variant is likely to be tolerated. In summary, the available evidence is currently insufficient to determine the role of this variant in disease. Therefore, it has been classified as a Variant of Uncertain Significance.